The following is an entry in ClinVar:

NM_002336.3(LRP6):c.9C>A (p.Ala3=)

Gene: LRP6 (LDL receptor related protein 6; minus strand). Cytogenetic location: 12p13.2.
Variant type: single nucleotide variant.
Coding change: c.9C>A on transcript NM_002336.3 (MANE Select); coding-DNA position 9, C replaced by A.
Protein change: p.Ala3=; no amino-acid change (alanine 3 retained).
Molecular consequence: synonymous variant. On other transcripts: 5 prime UTR variant (2), non-coding transcript variant (1), intron variant (1).
Genome position (GRCh38, 1-based): chr12:12,266,727, G>T on the plus strand (C>A on the coding strand, the complement: LRP6 is on the minus strand). VCF-style: chr12-12266727-G-T. GRCh37 (hg19) VCF-style: chr12-12419661-G-T.
Other names: c.9C>A, p.Ala3= (NM_001414244.1, NM_001414245.1, NM_001414246.1 and 6 more transcripts); c.-51C>A (NM_001414252.1); c.-441C>A (NM_001414254.1); c.-399+37C>A (NM_001414253.1).
Identifiers: ClinVar variation 4534809 (VCV004534809.6).

ClinVar aggregate classification (germline): Likely benign (1 of 4 stars; one submission).

Submission:

CeGaT Center for Human Genetics Tuebingen
Classification: Likely benign. Last evaluated: 2025-10-01. Review status: criteria provided, single submitter. Criteria: CeGaT Center For Human Genetics Tuebingen Variant Classification Criteria Version 2. Collection method: clinical testing. Allele origin: germline. Affected: yes. Observed: 1 variant allele.
Comment: LRP6: PM2:Supporting, BP4, BP7